The following is an entry in ClinVar:

ClinVar aggregate classification (germline): Pathogenic/Likely pathogenic. Review status: criteria provided, multiple submitters, no conflicts (2 of 4 stars). 4 submissions from 4 submitters: Pathogenic (3); Likely pathogenic (1). Last evaluated 2024-04-23.

Conditions:
Dubin-Johnson syndrome (DJS). Also called: Jaundice, Chronic Idiopathic; HYPERBILIRUBINEMIA, DUBIN-JOHNSON TYPE; Hyperbilirubinemia type 2. Identifiers: Orphanet 234, MedGen C0022350, MONDO:0009380, OMIM 237500.
ABCC2-related disorder. Also called: ABCC2-related condition.

Allele frequency attached by ClinVar (database versions not stated): gnomAD 0.00003 and 0.00004; gnomAD exomes 0.00004 and 0.00008; TOPMed 0.00004; ExAC 0.00008; ESP Exome Variant Server 0.00008.
gnomAD v4.1: 61 of 1,613,912 alleles (0.0038%); highest among the groups gnomAD compares: Admixed American, 0.0033%; no homozygotes.

Submissions (4):

Fulgent Genetics
Classification: Pathogenic for Dubin-Johnson syndrome. Last evaluated: 2024-04-23. Review status: criteria provided, single submitter. Criteria: ACMG Guidelines, 2015. Collection method: clinical testing. Allele origin: germline.

Labcorp Genetics (formerly Invitae), Labcorp
Classification: Pathogenic. Last evaluated: 2024-01-18. Review status: criteria provided, single submitter. Criteria: Invitae Variant Classification Sherloc (09022015). Collection method: clinical testing. Allele origin: germline.
Comment: This sequence change falls in intron 8 of the ABCC2 gene. It does not directly change the encoded amino acid sequence of the ABCC2 protein. RNA analysis indicates that this variant induces altered splicing and may result in an absent or disrupted protein product. This variant is present in population databases (rs373384181, gnomAD 0.2%). This variant has been observed in individuals with Dubin-Johnson syndrome (PMID: 15777714). This variant is also known as IVS8+4A>G. ClinVar contains an entry for this variant (Variation ID: 879377). Variants that disrupt the consensus splice site are a relatively common cause of aberrant splicing (PMID: 17576681, 9536098). Studies have shown that this variant results in multiple aberrant transcripts resulting in a frameshift and introduces a premature termination codon (PMID: 15777714). The resulting mRNA is expected to undergo nonsense-mediated decay. For these reasons, this variant has been classified as Pathogenic.

PreventionGenetics, part of Exact Sciences
Classification: Likely pathogenic for ABCC2-related condition. Last evaluated: 2023-07-20. Review status: criteria provided, single submitter. Criteria: ACMG Guidelines, 2015. Collection method: clinical testing. Allele origin: germline.
Comment: The ABCC2 c.1031+4A>G variant is predicted to interfere with splicing. This variant was reported in the homozygous state in three individuals with Dubin-Johnson syndrome, and this variant is postulated to be a founder variant in the Ashkenazi Jewish population (Mor-Cohen et al. 2005. PubMed ID 15777714). Splicing studies found this variant results in aberrant splicing which results in a frameshift and premature protein truncation (Mor-Cohen et al. 2005. PubMed ID 15777714). This variant is reported in 0.14% of alleles in individuals of Ashkenazi Jewish descent in gnomAD. This variant is interpreted as likely pathogenic.

Blueprint Genetics
Classification: Pathogenic for ABCC2-related disorders. Last evaluated: 2021-10-05. Review status: criteria provided, single submitter. Criteria: ACMG Guidelines, 2015. Collection method: clinical testing. Allele origin: germline. Affected: yes. Observed: 3 variant alleles.

Literature cited by the submitters: PubMed 15777714 (cited by Labcorp Genetics (formerly Invitae), Labcorp); PubMed 17576681 (cited by Labcorp Genetics (formerly Invitae), Labcorp); PubMed 9536098 (cited by Labcorp Genetics (formerly Invitae), Labcorp).

NM_000392.5(ABCC2):c.1031+4A>G

Gene: ABCC2 (ATP binding cassette subfamily C member 2; plus strand). Cytogenetic location: 10q24.2.
Variant type: single nucleotide variant.
Coding change: c.1031+4A>G on transcript NM_000392.5 (MANE Select); 4 bases into the intron after coding-DNA position 1031, A replaced by G.
Molecular consequence: intron variant.
Genome position (GRCh38, 1-based): chr10:99,799,374, A>G. VCF-style: chr10-99799374-A-G. GRCh37 (hg19) VCF-style: chr10-101559131-A-G.
Other names: c.1031+4A>G (NM_000392.4).
Identifiers: ClinVar variation 879377 (VCV000879377.9), dbSNP rs373384181, ClinGen allele CA5643047.